The following is an entry in ClinVar:

ClinVar aggregate classification (germline): Uncertain significance (1 of 4 stars; one submission).

Conditions:
Catecholaminergic polymorphic ventricular tachycardia 1. Also called: VENTRICULAR TACHYCARDIA, CATECHOLAMINERGIC POLYMORPHIC, 1, WITH OR WITHOUT ATRIAL DYSFUNCTION AND/OR DILATED CARDIOMYOPATHY; VENTRICULAR TACHYCARDIA, STRESS-INDUCED POLYMORPHIC 1; RYR2-Related Catecholaminergic Polymorphic Ventricular Tachycardia. Identifiers: Orphanet 3286, MedGen C1631597, MONDO:0011484, OMIM 604772.

Submission:

Labcorp Genetics (formerly Invitae), Labcorp
Classification: Uncertain significance for Catecholaminergic polymorphic ventricular tachycardia 1. Last evaluated: 2023-02-08. Review status: criteria provided, single submitter. Criteria: Invitae Variant Classification Sherloc (09022015). Collection method: clinical testing. Allele origin: germline.
Comment: This sequence change replaces leucine, which is neutral and non-polar, with valine, which is neutral and non-polar, at codon 3839 of the RYR2 protein (p.Leu3839Val). This variant is not present in population databases (gnomAD no frequency). This variant has not been reported in the literature in individuals affected with RYR2-related conditions. Advanced modeling of protein sequence and biophysical properties (such as structural, functional, and spatial information, amino acid conservation, physicochemical variation, residue mobility, and thermodynamic stability) performed at Invitae indicates that this missense variant is expected to disrupt RYR2 protein function. In summary, the available evidence is currently insufficient to determine the role of this variant in disease. Therefore, it has been classified as a Variant of Uncertain Significance.

NM_001035.3(RYR2):c.11515C>G (p.Leu3839Val)

Gene: RYR2 (ryanodine receptor 2; plus strand). Cytogenetic location: 1q43.
Variant type: single nucleotide variant.
Coding change: c.11515C>G on transcript NM_001035.3 (MANE Select); coding-DNA position 11515, C replaced by G.
Protein change: p.Leu3839Val; replaces leucine 3839 with valine.
Molecular consequence: missense variant.
Genome position (GRCh38, 1-based): chr1:237,770,845, C>G. VCF-style: chr1-237770845-C-G. GRCh37 (hg19) VCF-style: chr1-237934145-C-G.
Other names: short protein forms L3839V.
Identifiers: ClinVar variation 2835368 (VCV002835368.3), dbSNP rs1064796484, ClinGen allele CA345406705.
Genomic context (GRCh38, chr1:237,770,845, plus strand): 5'-GATCCCTCTGGATTTCCCACAGGAGAAAAGGTTCTGCAGGACGATGAGTTCACCTGTGAC[C>G]TCTTCCGATTCCTGCAACTACTCTGTGAGGGACACAACTCAGGTTTGTGAGTCCCCGGAA-3'
Protein context (NP_001026.2, residues 3829-3849): VLQDDEFTCD[Leu3839Val]FRFLQLLCEG